The following is an entry in ClinVar:

NM_005902.4(SMAD3):c.467A>G (p.Tyr156Cys)

Gene: SMAD3 (SMAD family member 3; plus strand). Cytogenetic location: 15q22.33.
Variant type: single nucleotide variant.
Coding change: c.467A>G on transcript NM_005902.4 (MANE Select); coding-DNA position 467, A replaced by G.
Protein change: p.Tyr156Cys; replaces tyrosine 156 with cysteine.
Molecular consequence: missense variant.
Genome position (GRCh38, 1-based): chr15:67,165,319, A>G. VCF-style: chr15-67165319-A-G. GRCh37 (hg19) VCF-style: chr15-67457657-A-G.
Other names: c.152A>G, p.Tyr51Cys (NM_001145102.2); c.335A>G, p.Tyr112Cys (NM_001145103.2); short protein forms Y112C, Y156C, Y51C.
Identifiers: ClinVar variation 1395904 (VCV001395904.8), dbSNP rs1397686956, ClinGen allele CA392954366.

ClinVar aggregate classification (germline): Uncertain significance (1 of 4 stars; one submission).

Conditions:
Familial thoracic aortic aneurysm and aortic dissection (TAAD). Also called: Thoracic aortic aneurysms and dissections. Identifiers: Orphanet 91387, MedGen C4707243, MONDO:0019625.

Allele frequency attached by ClinVar (database versions not stated): gnomAD exomes below 0.00001.
gnomAD v4.1: 1 of 1,614,144 alleles (0.000062%); highest among the groups gnomAD compares: Non-Finnish European, 0.000085%; no homozygotes.

Submission:

Labcorp Genetics (formerly Invitae), Labcorp
Classification: Uncertain significance for Familial thoracic aortic aneurysm and aortic dissection. Last evaluated: 2022-07-25. Review status: criteria provided, single submitter. Criteria: Invitae Variant Classification Sherloc (09022015). Collection method: clinical testing. Allele origin: germline.
Comment: This sequence change replaces tyrosine, which is neutral and polar, with cysteine, which is neutral and slightly polar, at codon 156 of the SMAD3 protein (p.Tyr156Cys). In summary, the available evidence is currently insufficient to determine the role of this variant in disease. Therefore, it has been classified as a Variant of Uncertain Significance. Advanced modeling of protein sequence and biophysical properties (such as structural, functional, and spatial information, amino acid conservation, physicochemical variation, residue mobility, and thermodynamic stability) performed at Invitae indicates that this missense variant is not expected to disrupt SMAD3 protein function. ClinVar contains an entry for this variant (Variation ID: 1395904). This variant has not been reported in the literature in individuals affected with SMAD3-related conditions. This variant is present in population databases (no rsID available, gnomAD 0.0009%).